The following is an entry in ClinVar:

ClinVar aggregate classification (germline): Uncertain significance. Review status: criteria provided, multiple submitters, no conflicts (2 of 4 stars). 2 submissions from 2 submitters: Uncertain significance (2). Last evaluated 2024-12-29.

Conditions:
Cardiovascular phenotype. Identifiers: MedGen CN230736.

Allele frequency attached by ClinVar (database versions not stated): gnomAD 0.00001; gnomAD exomes 0.00001.
gnomAD v4.1: 13 of 1,583,576 alleles (0.00082%); highest among the groups gnomAD compares: African/African-American, 0.0013%; no homozygotes.

Submissions (2):

Ambry Genetics
Classification: Uncertain significance for Cardiovascular phenotype. Last evaluated: 2024-12-29. Review status: criteria provided, single submitter. Criteria: Ambry Variant Classification Scheme 2023. Collection method: clinical testing. Allele origin: germline.
Comment: The p.E43V variant (also known as c.128A>T), located in coding exon 3 of the EPHB4 gene, results from an A to T substitution at nucleotide position 128. The glutamic acid at codon 43 is replaced by valine, an amino acid with dissimilar properties. This amino acid position is conserved. In addition, this alteration is predicted to be tolerated by in silico analysis. Based on the available evidence, the clinical significance of this variant remains unclear.

Labcorp Genetics (formerly Invitae), Labcorp
Classification: Uncertain significance. Last evaluated: 2023-11-09. Review status: criteria provided, single submitter. Criteria: Invitae Variant Classification Sherloc (09022015). Collection method: clinical testing. Allele origin: germline.
Comment: This sequence change replaces glutamic acid, which is acidic and polar, with valine, which is neutral and non-polar, at codon 43 of the EPHB4 protein (p.Glu43Val). The frequency data for this variant in the population databases is considered unreliable, as metrics indicate poor data quality at this position in the gnomAD database. This variant has not been reported in the literature in individuals affected with EPHB4-related conditions. Advanced modeling of protein sequence and biophysical properties (such as structural, functional, and spatial information, amino acid conservation, physicochemical variation, residue mobility, and thermodynamic stability) performed at Invitae indicates that this missense variant is not expected to disrupt EPHB4 protein function with a negative predictive value of 80%. In summary, the available evidence is currently insufficient to determine the role of this variant in disease. Therefore, it has been classified as a Variant of Uncertain Significance.

NM_004444.5(EPHB4):c.128A>T (p.Glu43Val)

Gene: EPHB4 (EPH receptor B4; minus strand). Cytogenetic location: 7q22.1.
Variant type: single nucleotide variant.
Coding change: c.128A>T on transcript NM_004444.5 (MANE Select); coding-DNA position 128, A replaced by T.
Protein change: p.Glu43Val; replaces glutamic acid 43 with valine.
Molecular consequence: missense variant.
Genome position (GRCh38, 1-based): chr7:100,823,927, T>A on the plus strand (A>T on the coding strand, the complement: EPHB4 is on the minus strand). VCF-style: chr7-100823927-T-A. GRCh37 (hg19) VCF-style: chr7-100421549-T-A.
Other names: c.128A>T (NM_004444.4); short protein forms E43V.
Identifiers: ClinVar variation 2899247 (VCV002899247.4), dbSNP rs773705502, ClinGen allele CA4393390.
Genomic context (GRCh38, chr7:100,823,927, plus strand): 5'-ACGTCACACACTTCGTAGGTGCGCACGCTGTGCTGTTCCTCATCCAGGCCGCTCAGTTCC[T>A]CCCACTGTGCAGAGAAGGAGGTCAGCAAGGGGGCTGGGGAGCCGCCAGGGAGAGGGCTGC-3'
Protein context (NP_004435.3, residues 33-53): VTFPQVDGQW[Glu43Val]ELSGLDEEQH